The following is an entry in ClinVar:

ClinVar aggregate classification (germline): Uncertain significance (1 of 4 stars; one submission).

Submission:

Mayo Clinic Laboratories, Mayo Clinic
Classification: Uncertain significance. Last evaluated: 2024-10-09. Review status: criteria provided, single submitter. Criteria: ACMG Guidelines, 2015. Collection method: clinical testing. Allele origin: germline. Observed: 1 variant allele.
Comment: BP4, PM2_supporting

NM_000404.4(GLB1):c.1350C>G (p.Ile450Met)

Gene: GLB1 (galactosidase beta 1; minus strand). Cytogenetic location: 3p22.3.
Variant type: single nucleotide variant.
Coding change: c.1350C>G on transcript NM_000404.4 (MANE Select); coding-DNA position 1350, C replaced by G.
Protein change: p.Ile450Met; replaces isoleucine 450 with methionine.
Molecular consequence: missense variant.
Genome position (GRCh38, 1-based): chr3:33,016,838, G>C on the plus strand (C>G on the coding strand, the complement: GLB1 is on the minus strand). VCF-style: chr3-33016838-G-C. GRCh37 (hg19) VCF-style: chr3-33058330-G-C.
Other names: p.Ile450Met; c.1260C>G, p.Ile420Met (NM_001079811.3); c.957C>G, p.Ile319Met (NM_001135602.3); c.1494C>G, p.Ile498Met (NM_001317040.2); c.1350C>G, p.Ile450Met (NM_001393580.1); short protein forms I319M, I450M, I498M, I420M.
Identifiers: ClinVar variation 4540847 (VCV004540847.1).
Genomic context (GRCh38, chr3:33,016,838, plus strand): 5'-TCCAGCTTTCCCTGTTATGTTCAGAGTGATCACATTGTTTCGCTCAAGGACTCCCTGGGG[G>C]ATCTGTGGGGTTCAAGACCAAATGACAATTGAATTGAGGGTAAGAAGGTCAGCAAGGAGA-3'
Protein context (NP_000395.3, residues 440-460): HDRAYVAVDG[Ile450Met]PQGVLERNNV